The following is an entry in ClinVar:

NM_144643.4(SCLT1):c.751G>C (p.Asp251His)

Gene: SCLT1 (sodium channel and clathrin linker 1; minus strand). Cytogenetic location: 4q28.2.
Variant type: single nucleotide variant.
Coding change: c.751G>C on transcript NM_144643.4 (MANE Select); coding-DNA position 751, G replaced by C.
Protein change: p.Asp251His; replaces aspartic acid 251 with histidine.
Molecular consequence: missense variant.
Genome position (GRCh38, 1-based): chr4:128,970,404, C>G on the plus strand (G>C on the coding strand, the complement: SCLT1 is on the minus strand). VCF-style: chr4-128970404-C-G. GRCh37 (hg19) VCF-style: chr4-129891559-C-G.
Other names: c.751G>C, p.Asp251His (NM_001410807.1); c.751G>C (NM_144643.2); short protein forms D251H.
Identifiers: ClinVar variation 2907587 (VCV002907587.4), dbSNP rs371493509, ClinGen allele CA105739397.

ClinVar aggregate classification (germline): Uncertain significance. Review status: criteria provided, multiple submitters, no conflicts (2 of 4 stars). 2 submissions from 2 submitters: Uncertain significance (2). Last evaluated 2024-08-13.

Allele frequency attached by ClinVar (database versions not stated): gnomAD 0.00001; TOPMed 0.00002; ESP Exome Variant Server 0.00008.
gnomAD v4.1: 7 of 1,602,448 alleles (0.00044%); highest among the groups gnomAD compares: African/African-American, 0.0013%; no homozygotes.

Submissions (2):

Labcorp Genetics (formerly Invitae), Labcorp
Classification: Uncertain significance. Last evaluated: 2024-08-13. Review status: criteria provided, single submitter. Criteria: Invitae Variant Classification Sherloc (09022015). Collection method: clinical testing. Allele origin: germline.
Comment: This sequence change replaces aspartic acid, which is acidic and polar, with histidine, which is basic and polar, at codon 251 of the SCLT1 protein (p.Asp251His). This variant is present in population databases (rs371493509, gnomAD 0.004%). This variant has not been reported in the literature in individuals affected with SCLT1-related conditions. An algorithm developed to predict the effect of missense changes on protein structure and function (PolyPhen-2) suggests that this variant is likely to be disruptive. In summary, the available evidence is currently insufficient to determine the role of this variant in disease. Therefore, it has been classified as a Variant of Uncertain Significance.

Ambry Genetics
Classification: Uncertain significance. Last evaluated: 2023-09-22. Review status: criteria provided, single submitter. Criteria: Ambry Variant Classification Scheme 2023. Collection method: clinical testing. Allele origin: germline.